The following is an entry in ClinVar:

NM_025136.4(OPA3):c.143-3C>A

Genes: OPA3 (outer mitochondrial membrane lipid metabolism regulator OPA3; minus strand), OPA3-RTN2 (OPA3-RTN2 readthrough; minus strand). Cytogenetic location: 19q13.32.
Variant type: single nucleotide variant.
Coding change: c.143-3C>A on transcript NM_025136.4 (MANE Select); 3 bases into the intron before coding-DNA position 143, C replaced by A.
Molecular consequence: intron variant.
Genome position (GRCh38, 1-based): chr19:45,553,914, G>T on the plus strand (C>A on the coding strand, the complement: OPA3 is on the minus strand). VCF-style: chr19-45553914-G-T. GRCh37 (hg19) VCF-style: chr19-46057172-G-T.
Other names: c.143-24458C>A (NM_001017989.3).
Identifiers: ClinVar variation 3760093 (VCV003760093.2).

ClinVar aggregate classification (germline): Uncertain significance (1 of 4 stars; one submission).

Conditions:
Optic atrophy 3 (OPA3). Also called: OPTIC ATROPHY 3, AUTOSOMAL DOMINANT; Optic atrophy, cataract, and neurologic disorder; Optic atrophy 3 with cataract. Identifiers: Orphanet 67036, MedGen C1833809, MONDO:0008133, OMIM 165300.
3-Methylglutaconic aciduria type 3 (MGCA3). Also called: OPA3, AUTOSOMAL RECESSIVE; OPTIC ATROPHY 3, AUTOSOMAL RECESSIVE; OPA3-Related 3-Methylglutaconic Aciduria; Costeff Syndrome. Identifiers: Orphanet 67047, MedGen C0574084, MONDO:0009787, OMIM 258501.

gnomAD v4.1: 1 of 1,602,042 alleles (0.000062%); highest among the groups gnomAD compares: Non-Finnish European, 0.000085%; no homozygotes.

Submission:

Labcorp Genetics (formerly Invitae), Labcorp
Classification: Uncertain significance for 3-Methylglutaconic aciduria type 3; Optic atrophy 3. Last evaluated: 2024-12-23. Review status: criteria provided, single submitter. Criteria: Invitae Variant Classification Sherloc (09022015). Collection method: clinical testing. Allele origin: germline.
Comment: This sequence change falls in intron 1 of the OPA3 gene. It does not directly change the encoded amino acid sequence of the OPA3 protein. It affects a nucleotide within the consensus splice site. This variant is not present in population databases (gnomAD no frequency). This variant has not been reported in the literature in individuals affected with OPA3-related conditions. Variants that disrupt the consensus splice site are a relatively common cause of aberrant splicing (PMID: 17576681, 9536098). Algorithms developed to predict the effect of sequence changes on RNA splicing suggest that this variant is not likely to affect RNA splicing. In summary, the available evidence is currently insufficient to determine the role of this variant in disease. Therefore, it has been classified as a Variant of Uncertain Significance.

Literature cited by the submitters: PubMed 17576681; PubMed 9536098.